The following is an entry in ClinVar:

NM_001148.6(ANK2):c.7006G>A (p.Ala2336Thr)

Genes: ANK2 (ankyrin 2; plus strand), LOC126807137 (CDK7 strongly-dependent group 2 enhancer GRCh37_chr4:114276560-114277759; plus strand). Cytogenetic location: 4q26.
Variant type: single nucleotide variant.
Coding change: c.7006G>A on transcript NM_001148.6 (MANE Select); coding-DNA position 7006, G replaced by A.
Protein change: p.Ala2336Thr; replaces alanine 2336 with threonine.
Molecular consequence: missense variant. On other transcripts: intron variant (68).
Genome position (GRCh38, 1-based): chr4:113,355,624, G>A. VCF-style: chr4-113355624-G-A. GRCh37 (hg19) VCF-style: chr4-114276780-G-A.
Other names: c.6772G>A, p.Ala2258Thr (NM_001386142.1); c.3406G>A, p.Ala1136Thr (NM_001386166.1); c.7147G>A, p.Ala2383Thr (NM_001386174.1); c.7123G>A, p.Ala2375Thr (NM_001386175.1); c.4412-5199G>A (NM_001386186.2, NM_001386148.2); c.4214-5199G>A (NM_001354269.3); c.4292-5199G>A (NM_001386187.2); c.4253-5199G>A (NM_001386147.1); and 35 more; short protein forms A2258T, A2383T, A1136T, A2336T, A2375T.
Identifiers: ClinVar variation 1756655 (VCV001756655.3), dbSNP rs1564016699, ClinGen allele CA357929077.

ClinVar aggregate classification (germline): Conflicting classifications of pathogenicity. Review status: criteria provided, conflicting classifications (1 of 4 stars). 2 submissions from 2 submitters: Uncertain significance (1); Likely benign (1). Last evaluated 2026-01-04.

Conditions:
Cardiovascular phenotype. Identifiers: MedGen CN230736.
Long QT syndrome (LQTS). Identifiers: MedGen C0023976, MeSH D008133, MONDO:0002442. Disease mechanism: loss of function. Inheritance: Various modes of inheritance.

Allele frequency attached by ClinVar (database versions not stated): gnomAD exomes below 0.00001.
gnomAD v4.1: 1 of 1,614,064 alleles (0.000062%); highest among the groups gnomAD compares: African/African-American, 0.0013%; no homozygotes.

Submissions (2):

Labcorp Genetics (formerly Invitae), Labcorp
Classification: Uncertain significance for Long QT syndrome. Last evaluated: 2026-01-04. Review status: criteria provided, single submitter. Criteria: Invitae Variant Classification Sherloc (09022015). Collection method: clinical testing. Allele origin: germline.
Comment: This sequence change replaces alanine, which is neutral and non-polar, with threonine, which is neutral and polar, at codon 2336 of the ANK2 protein (p.Ala2336Thr). This variant is not present in population databases (gnomAD no frequency). This variant has not been reported in the literature in individuals affected with ANK2-related conditions. ClinVar contains an entry for this variant (Variation ID: 1756655). An algorithm developed to predict the effect of missense changes on protein structure and function (PolyPhen-2) suggests that this variant is likely to be tolerated. In summary, the available evidence is currently insufficient to determine the role of this variant in disease. Therefore, it has been classified as a Variant of Uncertain Significance.

Ambry Genetics
Classification: Likely benign for Cardiovascular phenotype. Last evaluated: 2019-12-11. Review status: criteria provided, single submitter. Criteria: Ambry Variant Classification Scheme 2023. Collection method: clinical testing. Allele origin: germline.